The following is an entry in ClinVar:

ClinVar aggregate classification (germline): Likely benign (1 of 4 stars; one submission).

Allele frequency attached by ClinVar (database versions not stated): TOPMed 0.00021; ExAC 0.00025; gnomAD 0.00027; 1000 Genomes Project 30x 0.00031; ESP Exome Variant Server 0.00046.
gnomAD v4.1: 342 of 1,613,768 alleles (0.021%); highest among the groups gnomAD compares: Non-Finnish European, 0.023%; no homozygotes.

Submission:

CeGaT Center for Human Genetics Tuebingen
Classification: Likely benign. Last evaluated: 2023-02-01. Review status: criteria provided, single submitter. Criteria: CeGaT Center For Human Genetics Tuebingen Variant Classification Criteria Version 2. Collection method: clinical testing. Allele origin: germline. Affected: yes. Observed: 1 variant allele.
Comment: WDR59: BP4, BP7

NM_030581.4(WDR59):c.2058C>T (p.Leu686=)

Gene: WDR59 (WD repeat domain 59; minus strand). Cytogenetic location: 16q23.1.
Variant type: single nucleotide variant.
Coding change: c.2058C>T on transcript NM_030581.4 (MANE Select); coding-DNA position 2058, C replaced by T.
Protein change: p.Leu686=; no amino-acid change (leucine 686 retained).
Molecular consequence: synonymous variant.
Genome position (GRCh38, 1-based): chr16:74,892,508, G>A on the plus strand (C>T on the coding strand, the complement: WDR59 is on the minus strand). VCF-style: chr16-74892508-G-A. GRCh37 (hg19) VCF-style: chr16-74926406-G-A.
Identifiers: ClinVar variation 2646865 (VCV002646865.24), dbSNP rs145041449, ClinGen allele CA8170957.